The following is an entry in ClinVar:

ClinVar aggregate classification (germline): Uncertain significance. Review status: criteria provided, multiple submitters, no conflicts (2 of 4 stars). 2 submissions from 2 submitters: Uncertain significance (2). Last evaluated 2025-06-29.

Conditions:
Inborn genetic diseases. Identifiers: MedGen C0950123, MeSH D030342.

gnomAD v4.1: 2 of 1,613,168 alleles (0.00012%); highest among the groups gnomAD compares: Admixed American, 0.0017%; no homozygotes.

Submissions (2):

Ambry Genetics
Classification: Uncertain significance for Inborn genetic diseases. Last evaluated: 2025-06-29. Review status: criteria provided, single submitter. Criteria: Ambry Variant Classification Scheme 2023. Collection method: clinical testing. Allele origin: germline.

GeneDx
Classification: Uncertain significance. Last evaluated: 2024-11-08. Review status: criteria provided, single submitter. Criteria: GeneDx Variant Classification Process June 2021. Collection method: clinical testing. Allele origin: germline. Affected: yes.
Comment: Not observed at significant frequency in large population cohorts (gnomAD); In silico analysis indicates that this missense variant does not alter protein structure/function; Has not been previously published as pathogenic or benign to our knowledge

NM_003632.3(CNTNAP1):c.118G>A (p.Ala40Thr)

Genes: CNTNAP1 (contactin associated protein 1; plus strand), LOC125177481 (Sharpr-MPRA regulatory region 245; plus strand). Cytogenetic location: 17q21.2.
Variant type: single nucleotide variant.
Coding change: c.118G>A on transcript NM_003632.3 (MANE Select); coding-DNA position 118, G replaced by A.
Protein change: p.Ala40Thr; replaces alanine 40 with threonine.
Molecular consequence: missense variant.
Genome position (GRCh38, 1-based): chr17:42,683,871, G>A. VCF-style: chr17-42683871-G-A. GRCh37 (hg19) VCF-style: chr17-40835889-G-A.
Other names: short protein forms A40T.
Identifiers: ClinVar variation 3898956 (VCV003898956.2).